The following is an entry in ClinVar:

ClinVar aggregate classification (germline): Uncertain significance (1 of 4 stars; one submission).

Conditions:
Leber congenital amaurosis 9 (LCA9). Also called: LCA9 Leber Congenital Amaurosis; LCA 9; Amaurosis congenita of Leber, type 9. Identifiers: Orphanet 65, MedGen C1837873, MONDO:0012056, OMIM 608553.

Submission:

Labcorp Genetics (formerly Invitae), Labcorp
Classification: Uncertain significance for Leber congenital amaurosis 9. Last evaluated: 2024-04-20. Review status: criteria provided, single submitter. Criteria: Invitae Variant Classification Sherloc (09022015). Collection method: clinical testing. Allele origin: germline.
Comment: This sequence change replaces histidine, which is basic and polar, with glutamine, which is neutral and polar, at codon 101 of the NMNAT1 protein (p.His101Gln). This variant is not present in population databases (gnomAD no frequency). This variant has not been reported in the literature in individuals affected with NMNAT1-related conditions. Advanced modeling of protein sequence and biophysical properties (such as structural, functional, and spatial information, amino acid conservation, physicochemical variation, residue mobility, and thermodynamic stability) performed at Invitae indicates that this missense variant is not expected to disrupt NMNAT1 protein function with a negative predictive value of 80%. In summary, the available evidence is currently insufficient to determine the role of this variant in disease. Therefore, it has been classified as a Variant of Uncertain Significance.

NM_022787.4(NMNAT1):c.303C>A (p.His101Gln)

Gene: NMNAT1 (nicotinamide nucleotide adenylyltransferase 1; plus strand). Cytogenetic location: 1p36.22.
Variant type: single nucleotide variant.
Coding change: c.303C>A on transcript NM_022787.4 (MANE Select); coding-DNA position 303, C replaced by A.
Protein change: p.His101Gln; replaces histidine 101 with glutamine.
Molecular consequence: missense variant.
Genome position (GRCh38, 1-based): chr1:9,981,034, C>A. VCF-style: chr1-9981034-C-A. GRCh37 (hg19) VCF-style: chr1-10041092-C-A.
Other names: c.303C>A, p.His101Gln (NM_001297778.1, NM_001297779.2); short protein forms H101Q.
Identifiers: ClinVar variation 3649757 (VCV003649757.2).